The following is an entry in ClinVar:

NM_014639.4(SKIC3):c.2115-1G>A

Gene: SKIC3 (SKI3 subunit of superkiller complex; minus strand). Cytogenetic location: 5q15.
Variant type: single nucleotide variant.
Coding change: c.2115-1G>A on transcript NM_014639.4 (MANE Select); the canonical splice acceptor site of the intron before coding-DNA position 2115, G replaced by A.
Molecular consequence: splice acceptor variant.
Genome position (GRCh38, 1-based): chr5:95,517,323, C>T on the plus strand (G>A on the coding strand, the complement: SKIC3 is on the minus strand). VCF-style: chr5-95517323-C-T. GRCh37 (hg19) VCF-style: chr5-94853027-C-T.
Identifiers: ClinVar variation 1675179 (VCV001675179.1), dbSNP rs2112320552, ClinGen allele CA360461013.

ClinVar aggregate classification (germline): Likely pathogenic (1 of 4 stars; one submission).

Conditions:
Trichohepatoenteric syndrome 1 (THES1). Also called: DIARRHEA, FATAL INFANTILE, WITH TRICHORRHEXIS NODOSA. Identifiers: Orphanet 84064, MedGen C4551982, MONDO:0024541, OMIM 222470.

Submission:

Centre of Medical Genetics, University Hospital Muenster
Classification: Likely pathogenic for Trichohepatoenteric syndrome 1. Last evaluated: 2022-02-11. Review status: criteria provided, single submitter. Criteria: ACMG Guidelines, 2015. Collection method: clinical testing. Allele origin: germline. Affected: yes. Observed: 1 variant allele, 1 heterozygote.
Comment: ACMG categories: PVS1,PM2